The following is an entry in ClinVar:

ClinVar aggregate classification (germline): Uncertain significance. Review status: criteria provided, multiple submitters, no conflicts (2 of 4 stars). 3 submissions from 3 submitters: Uncertain significance (3). Last evaluated 2025-08-13.

Conditions:
Inborn genetic diseases. Identifiers: MedGen C0950123, MeSH D030342.
Autosomal recessive osteopetrosis 1. Also called: ALBERS-SCHONBERG DISEASE, AUTOSOMAL RECESSIVE; TCIRG1-Related Osteopetrosis; TCIRG1-Related Autosomal Recessive Osteopetrosis. Identifiers: Orphanet 667, MedGen C1850127, MONDO:0009815, OMIM 259700.

Allele frequency attached by ClinVar (database versions not stated): ExAC 0.00005.
gnomAD v4.1: 20 of 1,576,088 alleles (0.0013%); highest among the groups gnomAD compares: East Asian, 0.0091%; no homozygotes.

Submissions (3):

Ambry Genetics
Classification: Uncertain significance for Inborn genetic diseases. Last evaluated: 2025-08-13. Review status: criteria provided, single submitter. Criteria: Ambry Variant Classification Scheme 2023. Collection method: clinical testing. Allele origin: germline.

Labcorp Genetics (formerly Invitae), Labcorp
Classification: Uncertain significance. Last evaluated: 2021-10-14. Review status: criteria provided, single submitter. Criteria: Invitae Variant Classification Sherloc (09022015). Collection method: clinical testing. Allele origin: germline.
Comment: This sequence change replaces arginine with histidine at codon 660 of the TCIRG1 protein (p.Arg660His). The arginine residue is weakly conserved and there is a small physicochemical difference between arginine and histidine. This variant is present in population databases (rs746874956, ExAC 0.03%). This variant has not been reported in the literature in individuals affected with TCIRG1-related conditions. Algorithms developed to predict the effect of missense changes on protein structure and function output the following: SIFT: "Tolerated"; PolyPhen-2: "Benign"; Align-GVGD: "Class C0". The histidine amino acid residue is found in multiple mammalian species, which suggests that this missense change does not adversely affect protein function. In summary, the available evidence is currently insufficient to determine the role of this variant in disease. Therefore, it has been classified as a Variant of Uncertain Significance.

Illumina Laboratory Services, Illumina
Classification: Uncertain significance for Autosomal recessive osteopetrosis 1. Last evaluated: 2018-01-13. Review status: criteria provided, single submitter. Criteria: ICSL Variant Classification Criteria 13 December 2019. Collection method: clinical testing. Allele origin: germline.

NM_006019.4(TCIRG1):c.1979G>A (p.Arg660His)

Gene: TCIRG1 (T cell immune regulator 1, ATPase H+ transporting V0 subunit a3; plus strand). Cytogenetic location: 11q13.2.
Variant type: single nucleotide variant.
Coding change: c.1979G>A on transcript NM_006019.4 (MANE Select); coding-DNA position 1979, G replaced by A.
Protein change: p.Arg660His; replaces arginine 660 with histidine.
Molecular consequence: missense variant.
Genome position (GRCh38, 1-based): chr11:68,049,754, G>A. VCF-style: chr11-68049754-G-A. GRCh37 (hg19) VCF-style: chr11-67817221-G-A.
Other names: c.1085G>A, p.Arg362His (NM_001351059.2); c.1331G>A, p.Arg444His (NM_006053.4); short protein forms R362H, R660H, R444H.
Identifiers: ClinVar variation 882248 (VCV000882248.9), dbSNP rs746874956, ClinGen allele CA6147336.